The following is an entry in ClinVar:

NM_001377265.1(MAPT):c.1873C>A (p.Pro625Thr)

Gene: MAPT (microtubule associated protein tau). Cytogenetic location: 17q21.31.
Variant type: single nucleotide variant.
Coding change: c.1873C>A on transcript NM_001377265.1 (MANE Select); coding-DNA position 1873, C replaced by A.
Protein change: p.Pro625Thr; replaces proline 625 with threonine.
Molecular consequence: missense variant. On other transcripts: non-coding transcript variant (1).
Genome position (GRCh38, 1-based): chr17:45,996,539, C>A. VCF-style: chr17-45996539-C-A. GRCh37 (hg19) VCF-style: chr17-44073905-C-A.
Other names: c.1702C>A, p.Pro568Thr (NM_001123066.4); c.610C>A, p.Pro204Thr (NM_001123067.4, NM_001203251.2, NM_001377267.1); c.697C>A, p.Pro233Thr (NM_001203252.2, NM_005910.6); c.1675C>A, p.Pro559Thr (NM_001377266.1); c.523C>A, p.Pro175Thr (NM_001377268.1, NM_016834.5, NM_016841.5); c.1648C>A, p.Pro550Thr (NM_016835.5); short protein forms P204T, P175T, P559T, P625T, P568T, P233T, P550T.
Identifiers: ClinVar variation 2978943 (VCV002978943.3), dbSNP rs2509986129, ClinGen allele CA399978212.

ClinVar aggregate classification (germline): Uncertain significance (1 of 4 stars; one submission).

Conditions:
Frontotemporal dementia (FTD1). Also called: FRONTOTEMPORAL LOBAR DEGENERATION WITH TAU INCLUSIONS; FTLD WITH TAU INCLUSIONS; Dementia, frontotemporal, with or without parkinsonism; Frontotemporal Dementia with Parkinsonism-17 (FTDP-17); WILHELMSEN-LYNCH DISEASE; FRONTOTEMPORAL DEMENTIA WITH PARKINSONISM. Identifiers: Orphanet 282, MedGen C0338451, MONDO:0017276, OMIM 600274, HP:0002145.

Submission:

Labcorp Genetics (formerly Invitae), Labcorp
Classification: Uncertain significance for Frontotemporal dementia. Last evaluated: 2024-01-13. Review status: criteria provided, single submitter. Criteria: Invitae Variant Classification Sherloc (09022015). Collection method: clinical testing. Allele origin: germline.
Comment: This sequence change replaces proline, which is neutral and non-polar, with threonine, which is neutral and polar, at codon 233 of the MAPT protein (p.Pro233Thr). This variant is not present in population databases (gnomAD no frequency). This variant has not been reported in the literature in individuals affected with MAPT-related conditions. Advanced modeling of protein sequence and biophysical properties (such as structural, functional, and spatial information, amino acid conservation, physicochemical variation, residue mobility, and thermodynamic stability) performed at Invitae indicates that this missense variant is expected to disrupt MAPT protein function with a positive predictive value of 80%. In summary, the available evidence is currently insufficient to determine the role of this variant in disease. Therefore, it has been classified as a Variant of Uncertain Significance.